The following is an entry in ClinVar:

ClinVar aggregate classification (germline): Uncertain significance (1 of 4 stars; one submission).

Conditions:
Inborn genetic diseases. Identifiers: MedGen C0950123, MeSH D030342.

gnomAD v4.1: 38 of 1,613,846 alleles (0.0024%); highest among the groups gnomAD compares: Non-Finnish European, 0.003%; no homozygotes.

Submission:

Ambry Genetics
Classification: Uncertain significance for Inborn genetic diseases. Last evaluated: 2026-06-04. Review status: criteria provided, single submitter. Criteria: Ambry Variant Classification Scheme 2023. Collection method: clinical testing. Allele origin: germline.
Comment: The c.3377T>C (p.I1126T) alteration is located in exon 39 (coding exon 39) of the COL4A3 gene. This alteration results from a T to C substitution at nucleotide position 3377, causing the isoleucine (I) at amino acid position 1126 to be replaced by a threonine (T). Based on data from gnomAD, the C allele has an overall frequency of 0.002% (5/249508) total alleles studied. The highest observed frequency was 0.006% (1/17978) of East Asian alleles. Based on insufficient or conflicting evidence, the clinical significance of this alteration remains unclear.

NM_000091.5(COL4A3):c.3377T>C (p.Ile1126Thr)

Genes: COL4A3 (collagen type IV alpha 3 chain; plus strand), MFF-DT (MFF divergent transcript; minus strand). Cytogenetic location: 2q36.3.
Variant type: single nucleotide variant.
Coding change: c.3377T>C on transcript NM_000091.5 (MANE Select); coding-DNA position 3377, T replaced by C.
Protein change: p.Ile1126Thr; replaces isoleucine 1126 with threonine.
Molecular consequence: missense variant.
Genome position (GRCh38, 1-based): chr2:227,294,529, T>C. VCF-style: chr2-227294529-T-C. GRCh37 (hg19) VCF-style: chr2-228159245-T-C.
Other names: short protein forms I1126T.
Identifiers: ClinVar variation 4869193 (VCV004869193.1).